The following is an entry in ClinVar:

NM_001385079.1(PDE10A):c.209C>G (p.Ser70Cys)

Gene: PDE10A (phosphodiesterase 10A; minus strand). Cytogenetic location: 6q27.
Variant type: single nucleotide variant.
Coding change: c.209C>G on transcript NM_001385079.1 (MANE Select); coding-DNA position 209, C replaced by G.
Protein change: p.Ser70Cys; replaces serine 70 with cysteine.
Molecular consequence: missense variant.
Genome position (GRCh38, 1-based): chr6:165,662,603, G>C on the plus strand (C>G on the coding strand, the complement: PDE10A is on the minus strand). VCF-style: chr6-165662603-G-C. GRCh37 (hg19) VCF-style: chr6-166076091-G-C.
Other names: short protein forms S70C.
Identifiers: ClinVar variation 4681707 (VCV004681707.5).

ClinVar aggregate classification (germline): Uncertain significance (1 of 4 stars; one submission).

gnomAD v4.1: 9 of 144,750 alleles (0.0062%); highest among the groups gnomAD compares: Admixed American, 0.02%; no homozygotes.

Submission:

CeGaT Center for Human Genetics Tuebingen
Classification: Uncertain significance. Last evaluated: 2025-12-01. Review status: criteria provided, single submitter. Criteria: CeGaT Center For Human Genetics Tuebingen Variant Classification Criteria Version 2. Collection method: clinical testing. Allele origin: germline. Affected: yes. Observed: 1 variant allele.
Comment: PDE10A: PM2, PP2